The following is an entry in ClinVar:

ClinVar aggregate classification (germline): Uncertain significance (1 of 4 stars; one submission).

Conditions:
Hereditary cancer-predisposing syndrome. Also called: Neoplastic Syndromes, Hereditary; Tumor predisposition; Hereditary Cancer Syndrome; Hereditary neoplastic syndrome. Identifiers: Orphanet 140162, MedGen C0027672, MeSH D009386, MONDO:0015356.

Submission:

Ambry Genetics
Classification: Uncertain significance for Hereditary cancer-predisposing syndrome. Last evaluated: 2021-05-20. Review status: criteria provided, single submitter. Criteria: Ambry Variant Classification Scheme 2023. Collection method: clinical testing. Allele origin: germline.
Comment: The p.L651V variant (also known as c.1951C>G), located in coding exon 12 of the ATM gene, results from a C to G substitution at nucleotide position 1951. The leucine at codon 651 is replaced by valine, an amino acid with highly similar properties. This amino acid position is highly conserved in available vertebrate species. In addition, this alteration is predicted to be tolerated by in silico analysis. Since supporting evidence is limited at this time, the clinical significance of this alteration remains unclear.

NM_000051.4(ATM):c.1951C>G (p.Leu651Val)

Gene: ATM (ATM serine/threonine kinase; plus strand). Cytogenetic location: 11q22.3.
Variant type: single nucleotide variant.
Coding change: c.1951C>G on transcript NM_000051.4 (MANE Select); coding-DNA position 1951, C replaced by G.
Protein change: p.Leu651Val; replaces leucine 651 with valine.
Molecular consequence: missense variant.
Genome position (GRCh38, 1-based): chr11:108,253,866, C>G. VCF-style: chr11-108253866-C-G. GRCh37 (hg19) VCF-style: chr11-108124593-C-G.
Other names: c.1951C>G, p.Leu651Val (NM_001351834.2); short protein forms L651V.
Identifiers: ClinVar variation 1783242 (VCV001783242.2), dbSNP rs1057521751, ClinGen allele CA382536687.
Genomic context (GRCh38, chr11:108,253,866, plus strand): 5'-TCTTGAAGTGAACACCACCAAAAAGATAAAGAAGAACTTTCATTCTCAGAAGTAGAAGAA[C>G]TATTTCTTCAGACAACTTTTGACAAGATGGACTTTTTAACCATTGTGAGAGAATGTGGTA-3'
Protein context (NP_000042.3, residues 641-661): EELSFSEVEE[Leu651Val]FLQTTFDKMD